The following is an entry in ClinVar:

ClinVar aggregate classification (germline): Likely benign. Review status: criteria provided, multiple submitters, no conflicts (2 of 4 stars). 3 submissions from 3 submitters: Likely benign (3). Last evaluated 2025-07-21.

Conditions:
Hereditary cancer-predisposing syndrome. Also called: Hereditary Cancer Syndrome; Hereditary neoplastic syndrome; Neoplastic Syndromes, Hereditary; Tumor predisposition. Identifiers: Orphanet 140162, MedGen C0027672, MeSH D009386, MONDO:0015356.
Breast-ovarian cancer, familial, susceptibility to, 4. Identifiers: Orphanet 145, MedGen C3280345, MONDO:0013669, OMIM 614291.

Allele frequency attached by ClinVar (database versions not stated): gnomAD 0.00001; gnomAD exomes 0.00001 and 0.00002; ExAC 0.00007.
gnomAD v4.1: 15 of 1,601,138 alleles (0.00094%); highest among the groups gnomAD compares: Non-Finnish European, 0.0011%; no homozygotes.

Submissions (3):

Labcorp Genetics (formerly Invitae), Labcorp
Classification: Likely benign for Breast-ovarian cancer, familial, susceptibility to, 4. Last evaluated: 2025-07-21. Review status: criteria provided, single submitter. Criteria: Invitae Variant Classification Sherloc (09022015). Collection method: clinical testing. Allele origin: germline.

Color Diagnostics, LLC DBA Color Health
Classification: Likely benign for Hereditary cancer-predisposing syndrome. Last evaluated: 2017-12-14. Review status: criteria provided, single submitter. Criteria: ACMG Guidelines, 2015. Collection method: clinical testing. Allele origin: germline.

GeneDx
Classification: Likely benign. Last evaluated: 2016-06-14. Review status: criteria provided, single submitter. Criteria: GeneDx Variant Classification (06012015). Collection method: clinical testing. Allele origin: germline. Affected: yes.
Comment: This variant is considered likely benign or benign based on one or more of the following criteria: it is a conservative change, it occurs at a poorly conserved position in the protein, it is predicted to be benign by multiple in silico algorithms, and/or has population frequency not consistent with disease.

NM_002878.4(RAD51D):c.738+17G>A

Genes: RAD51L3-RFFL (RAD51L3-RFFL readthrough; minus strand), RAD51D (RAD51 paralog D; minus strand). Cytogenetic location: 17q12.
Variant type: single nucleotide variant.
Coding change: c.738+17G>A on transcript NM_002878.4 (MANE Select); 17 bases into the intron after coding-DNA position 738, G replaced by A.
Molecular consequence: intron variant.
Genome position (GRCh38, 1-based): chr17:35,103,237, C>T on the plus strand (G>A on the coding strand, the complement: RAD51D is on the minus strand). VCF-style: chr17-35103237-C-T. GRCh37 (hg19) VCF-style: chr17-33430256-C-T.
Other names: c.402+17G>A (NM_133629.3); c.798+17G>A (NM_001142571.2).
Identifiers: ClinVar variation 387038 (VCV000387038.11), dbSNP rs753635983, ClinGen allele CA8499366.